The following is an entry in ClinVar:

NM_002691.4(POLD1):c.563T>G (p.Leu188Arg)

Gene: POLD1 (DNA polymerase delta 1, catalytic subunit; plus strand). Cytogenetic location: 19q13.33.
Variant type: single nucleotide variant.
Coding change: c.563T>G on transcript NM_002691.4 (MANE Select); coding-DNA position 563, T replaced by G.
Protein change: p.Leu188Arg; replaces leucine 188 with arginine.
Molecular consequence: missense variant. On other transcripts: non-coding transcript variant (1).
Genome position (GRCh38, 1-based): chr19:50,402,098, T>G. VCF-style: chr19-50402098-T-G. GRCh37 (hg19) VCF-style: chr19-50905355-T-G.
Other names: c.563T>G, p.Leu188Arg (NM_001256849.1, NM_001308632.1); short protein forms L188R.
Identifiers: ClinVar variation 469365 (VCV000469365.18), dbSNP rs768494581, ClinGen allele CA9595795.
Genomic context (GRCh38, chr19:50,402,098, plus strand): 5'-TGAACTTGGCCATCAGCCGGGACAGTCGCGGGGGGAGGGAGCTGACTGGGCCGGCCGTGC[T>G]GGCTGTGGAACTGTGCTCCCGAGAGAGTGAGTGCTCCCCCAGGATCAGCGGGTTGGAGGG-3'
Protein context (NP_002682.2, residues 178-198): GGRELTGPAV[Leu188Arg]AVELCSRESM

ClinVar aggregate classification (germline): Uncertain significance. Review status: criteria provided, multiple submitters, no conflicts (2 of 4 stars). 4 submissions from 4 submitters: Uncertain significance (3). 1 of the submissions does not count toward it. Last evaluated 2025-11-16.

Conditions:
POLD1-related polyposis and colorectal cancer syndrome (CRCS10). Also called: Colorectal cancer 10; COLORECTAL CANCER, SUSCEPTIBILITY TO, ON CHROMOSOME 19q; Colorectal cancer, susceptibility to, 10. Identifiers: Orphanet 220460, MedGen C2675481, MONDO:0012953, OMIM 612591.
Mandibular hypoplasia-deafness-progeroid syndrome. Also called: Mandibular hypoplasia, deafness, progeroid features, and lipodystrophy syndrome. Identifiers: Orphanet 363649, MedGen C3715192, MONDO:0014157, OMIM 615381.
POLD1-related disorder. Also called: POLD1-related condition; POLD1-related disorders.
Hereditary cancer-predisposing syndrome. Also called: Neoplastic Syndromes, Hereditary; Hereditary neoplastic syndrome; Tumor predisposition; Hereditary Cancer Syndrome. Identifiers: Orphanet 140162, MedGen C0027672, MeSH D009386, MONDO:0015356.

Allele frequency attached by ClinVar (database versions not stated): TOPMed 0.00002.
gnomAD v4.1: 24 of 1,613,570 alleles (0.0015%); highest among the groups gnomAD compares: African/African-American, 0.004%; no homozygotes.

Submissions (4):

Labcorp Genetics (formerly Invitae), Labcorp
Classification: Uncertain significance for POLD1-related polyposis and colorectal cancer syndrome. Last evaluated: 2025-11-16. Review status: criteria provided, single submitter. Criteria: Invitae Variant Classification Sherloc (09022015). Collection method: clinical testing. Allele origin: germline.
Comment: This sequence change replaces leucine, which is neutral and non-polar, with arginine, which is basic and polar, at codon 188 of the POLD1 protein (p.Leu188Arg). This variant is present in population databases (rs768494581, gnomAD 0.008%). This variant has not been reported in the literature in individuals affected with POLD1-related conditions. ClinVar contains an entry for this variant (Variation ID: 469365). Invitae Evidence Modeling of protein sequence and biophysical properties (such as structural, functional, and spatial information, amino acid conservation, physicochemical variation, residue mobility, and thermodynamic stability) indicates that this missense variant is not expected to disrupt POLD1 protein function with a negative predictive value of 80%. In summary, the available evidence is currently insufficient to determine the role of this variant in disease. Therefore, it has been classified as a Variant of Uncertain Significance.

Ambry Genetics
Classification: Uncertain significance for Hereditary cancer-predisposing syndrome. Last evaluated: 2025-07-17. Review status: criteria provided, single submitter. Criteria: Ambry Variant Classification Scheme 2023. Collection method: clinical testing. Allele origin: germline.
Comment: The p.L188R variant (also known as c.563T>G), located in coding exon 4 of the POLD1 gene, results from a T to G substitution at nucleotide position 563. The leucine at codon 188 is replaced by arginine, an amino acid with dissimilar properties. This amino acid position is conserved. In addition, the in silico prediction for this alteration is inconclusive. Based on the available evidence, the clinical significance of this variant remains unclear.

GeneDx
Classification: Uncertain significance. Last evaluated: 2019-06-24. Review status: criteria provided, single submitter. Criteria: GeneDx Variant Classification Process June 2021. Collection method: clinical testing. Allele origin: germline. Affected: yes.
Comment: Not observed at a significant frequency in large population cohorts (Lek 2016); In silico analysis, which includes protein predictors and evolutionary conservation, supports a deleterious effect; Has not been previously published as pathogenic or benign to our knowledge

PreventionGenetics, part of Exact Sciences
Classification: Uncertain significance for POLD1-related condition. Last evaluated: 2024-06-08. Review status: no assertion criteria provided. Collection method: clinical testing. Allele origin: germline. Not counted in ClinVar's aggregate classification.
Comment: The POLD1 c.563T>G variant is predicted to result in the amino acid substitution p.Leu188Arg. To our knowledge, this variant has not been reported in the literature. This variant is reported in 0.0080% of alleles in individuals of African descent in gnomAD. It is interpreted as a variant of uncertain significance in ClinVar. At this time, the clinical significance of this variant is uncertain due to the absence of conclusive functional and genetic evidence.